The following is an entry in ClinVar:

ClinVar aggregate classification (germline): Uncertain significance (1 of 4 stars; one submission).

Submission:

Labcorp Genetics (formerly Invitae), Labcorp
Classification: Uncertain significance. Last evaluated: 2022-09-15. Review status: criteria provided, single submitter. Criteria: Invitae Variant Classification Sherloc (09022015). Collection method: clinical testing. Allele origin: germline.
Comment: This sequence change replaces aspartic acid, which is acidic and polar, with asparagine, which is neutral and polar, at codon 867 of the KIF11 protein (p.Asp867Asn). This variant is not present in population databases (gnomAD no frequency). This variant has not been reported in the literature in individuals affected with KIF11-related conditions. Advanced modeling of protein sequence and biophysical properties (such as structural, functional, and spatial information, amino acid conservation, physicochemical variation, residue mobility, and thermodynamic stability) performed at Invitae indicates that this missense variant is not expected to disrupt KIF11 protein function. In summary, the available evidence is currently insufficient to determine the role of this variant in disease. Therefore, it has been classified as a Variant of Uncertain Significance.

NM_004523.4(KIF11):c.2599G>A (p.Asp867Asn)

Gene: KIF11 (kinesin family member 11; plus strand). Cytogenetic location: 10q23.33.
Variant type: single nucleotide variant.
Coding change: c.2599G>A on transcript NM_004523.4 (MANE Select); coding-DNA position 2599, G replaced by A.
Protein change: p.Asp867Asn; replaces aspartic acid 867 with asparagine.
Molecular consequence: missense variant.
Genome position (GRCh38, 1-based): chr10:92,648,263, G>A. VCF-style: chr10-92648263-G-A. GRCh37 (hg19) VCF-style: chr10-94408020-G-A.
Other names: short protein forms D867N.
Identifiers: ClinVar variation 1975716 (VCV001975716.5), dbSNP rs2492540847, ClinGen allele CA377805406.